The following is an entry in ClinVar:

ClinVar aggregate classification (germline): Pathogenic (1 of 4 stars; one submission).

Conditions:
Primary pulmonary hypertension. Also called: Idiopathic pulmonary hypertension. Identifiers: MedGen C0152171.

Submission:

Labcorp Genetics (formerly Invitae), Labcorp
Classification: Pathogenic for Primary pulmonary hypertension. Last evaluated: 2025-05-22. Review status: criteria provided, single submitter. Criteria: Invitae Variant Classification Sherloc (09022015). Collection method: clinical testing. Allele origin: germline.
Comment: This sequence change creates a premature translational stop signal (p.Pro15Thrfs*23) in the BMPR2 gene. It is expected to result in an absent or disrupted protein product. Loss-of-function variants in BMPR2 are known to be pathogenic (PMID: 16429395). This variant is not present in population databases (gnomAD no frequency). This variant has not been reported in the literature in individuals affected with BMPR2-related conditions. For these reasons, this variant has been classified as Pathogenic.

Literature cited by the submitters: PubMed 16429395.

NM_001204.7(BMPR2):c.42dup (p.Pro15fs)

Gene: BMPR2 (bone morphogenetic protein receptor type 2; plus strand). Cytogenetic location: 2q33.1.
Variant type: Duplication.
Coding change: c.42dup on transcript NM_001204.7 (MANE Select); coding-DNA position 42, one base duplicated (A; older notation c.42dupA).
Protein change: p.Pro15fs; shifts the reading frame from proline 15.
Molecular consequence: frameshift variant.
Genome position (GRCh38, 1-based): chr2:202,377,516, A duplicated. VCF-style (leftmost placement, unchanged base first): chr2-202377515-T-TA. GRCh37 (hg19) VCF-style: chr2-203242238-T-TA.
Other names: short protein forms P15fs.
Identifiers: ClinVar variation 4719997 (VCV004719997.1).
Genomic context (GRCh38, chr2:202,377,515, plus strand): 5'-GATTCTTGGCTGGCCCAGGGATGACTTCCTCGCTGCAGCGGCCCTGGCGGGTGCCCTGGC[T>TA]ACCATGGACCATCCTGCTGGTCAGCACTGCGGCTGGTGAGTAGCTCCGGCCGGCACGTCC-3'